The following is an entry in ClinVar:

ClinVar aggregate classification (germline): Uncertain significance (1 of 4 stars; one submission).

Conditions:
Long QT syndrome (LQTS). Identifiers: MedGen C0023976, MeSH D008133, MONDO:0002442. Disease mechanism: loss of function. Inheritance: Various modes of inheritance.

gnomAD v4.1: 1 of 1,593,258 alleles (0.000063%); highest among the groups gnomAD compares: South Asian, 0.0011%; no homozygotes.

Submission:

Labcorp Genetics (formerly Invitae), Labcorp
Classification: Uncertain significance for Long QT syndrome. Last evaluated: 2025-12-18. Review status: criteria provided, single submitter. Criteria: Invitae Variant Classification Sherloc (09022015). Collection method: clinical testing. Allele origin: germline.
Comment: This sequence change replaces valine, which is neutral and non-polar, with leucine, which is neutral and non-polar, at codon 535 of the KCNH2 protein (p.Val535Leu). This variant is not present in population databases (gnomAD no frequency). This variant has not been reported in the literature in individuals affected with KCNH2-related conditions. ClinVar contains an entry for this variant (Variation ID: 570842). An algorithm developed to predict the effect of missense changes on protein structure and function (PolyPhen-2) suggests that this variant is likely to be disruptive. In summary, the available evidence is currently insufficient to determine the role of this variant in disease. Therefore, it has been classified as a Variant of Uncertain Significance.

NM_000238.4(KCNH2):c.1603G>T (p.Val535Leu)

Gene: KCNH2 (potassium voltage-gated channel subfamily H member 2; minus strand). Cytogenetic location: 7q36.1.
Variant type: single nucleotide variant.
Coding change: c.1603G>T on transcript NM_000238.4 (MANE Select); coding-DNA position 1603, G replaced by T.
Protein change: p.Val535Leu; replaces valine 535 with leucine.
Molecular consequence: missense variant.
Genome position (GRCh38, 1-based): chr7:150,951,790, C>A on the plus strand (G>T on the coding strand, the complement: KCNH2 is on the minus strand). VCF-style: chr7-150951790-C-A. GRCh37 (hg19) VCF-style: chr7-150648878-C-A.
Other names: c.583G>T, p.Val195Leu (NM_001204798.2, NM_172057.3); c.1315G>T, p.Val439Leu (NM_001406753.1, NM_001406756.1); c.1426G>T, p.Val476Leu (NM_001406755.1); c.1303G>T, p.Val435Leu (NM_001406757.1); c.1603G>T, p.Val535Leu (NM_172056.3); short protein forms V195L, V535L, V435L, V439L, V476L.
Identifiers: ClinVar variation 570842 (VCV000570842.9), dbSNP rs375872367, ClinGen allele CA369859140.